The following is an entry in ClinVar:

NM_007078.3(LDB3):c.690-4A>G

Gene: LDB3 (LIM domain binding 3; plus strand). Cytogenetic location: 10q23.2.
Variant type: single nucleotide variant.
Coding change: c.690-4A>G on transcript NM_007078.3 (MANE Select); 4 bases into the intron before coding-DNA position 690, A replaced by G.
Molecular consequence: intron variant.
Genome position (GRCh38, 1-based): chr10:86,691,892, A>G. VCF-style: chr10-86691892-A-G. GRCh37 (hg19) VCF-style: chr10-88451649-A-G.
Other names: p.?; c.690-4A>G (NM_001368064.1, NM_001368063.1, NM_001368065.1 and 1 more transcripts); c.549-4A>G (NM_001368068.1, NM_001368066.1, NM_001080114.2 and 2 more transcripts); c.894-4A>G (NM_001171610.2, NM_001171611.2).
Identifiers: ClinVar variation 36448 (VCV000036448.68), dbSNP rs45529531, ClinGen allele CA180818.

ClinVar aggregate classification (germline): Benign/Likely benign. Review status: criteria provided, multiple submitters, no conflicts (2 of 4 stars). 18 submissions from 18 submitters: Benign (10); Likely benign (3). 5 of the submissions do not count toward it. Last evaluated 2026-06-01.

Conditions:
Cardiovascular phenotype. Identifiers: MedGen CN230736.
Cardiomyopathy (CMYO). Also called: Cardiomyopathies. Identifiers: Orphanet 167848, MedGen C0878544, MONDO:0004994, HP:0001638. Inheritance: Various modes of inheritance.
Myofibrillar myopathy 4. Also called: Zaspopathy (type). Identifiers: Orphanet 98912, MedGen C4721886, MONDO:0012277, OMIM 609452.

Allele frequency attached by ClinVar (database versions not stated): ExAC 0.00236; gnomAD exomes 0.00240 and 0.00249; gnomAD 0.00411 and 0.00427; 1000 Genomes Project 0.00619; 1000 Genomes Project 30x 0.00625; TOPMed 0.00492; ESP Exome Variant Server 0.00484.
gnomAD v4.1: 4,213 of 1,614,060 alleles (0.26%); highest among the groups gnomAD compares: African/African-American, 0.69%; 13 homozygotes.

Submissions (18):

CeGaT Center for Human Genetics Tuebingen
Classification: Likely benign. Last evaluated: 2026-06-01. Review status: criteria provided, single submitter. Criteria: CeGaT Center For Human Genetics Tuebingen Variant Classification Criteria Version 2. Collection method: clinical testing. Allele origin: germline. Affected: yes. Observed: 4 variant alleles.
Comment: LDB3: BP4, BS2

Labcorp Genetics (formerly Invitae), Labcorp
Classification: Benign for Myofibrillar myopathy 4. Last evaluated: 2026-02-01. Review status: criteria provided, single submitter. Criteria: Invitae Variant Classification Sherloc (09022015). Collection method: clinical testing. Allele origin: germline.

ARUP Laboratories, Molecular Genetics and Genomics, ARUP Laboratories
Classification: Benign. Last evaluated: 2025-05-15. Review status: criteria provided, single submitter. Criteria: ARUP Molecular Germline Variant Investigation Process 2024. Collection method: clinical testing. Allele origin: germline.

Blueprint Genetics
Classification: Likely benign. Last evaluated: 2024-11-27. Review status: criteria provided, single submitter. Criteria: ACMG Guidelines, 2015. Collection method: clinical testing. Allele origin: germline.

Mayo Clinic Laboratories, Mayo Clinic
Classification: Benign. Last evaluated: 2018-06-22. Review status: criteria provided, single submitter. Criteria: ACMG Guidelines, 2015. Collection method: clinical testing. Allele origin: germline. Observed: 18 variant alleles.

CHEO Genetics Diagnostic Laboratory, Children's Hospital of Eastern Ontario
Classification: Benign for Cardiomyopathy. Last evaluated: 2017-08-25. Review status: criteria provided, single submitter. Criteria: ACMG Guidelines, 2015. Collection method: clinical testing. Allele origin: germline. Study: Canadian Open Genetics Repository.

Athena Diagnostics
Classification: Benign. Last evaluated: 2017-05-05. Review status: criteria provided, single submitter. Criteria: Athena Diagnostics Criteria. Collection method: clinical testing. Allele origin: germline.

Eurofins Ntd Llc (ga)
Classification: Benign. Last evaluated: 2016-06-07. Review status: criteria provided, single submitter. Criteria: EGL Classification Definitions 2015. Collection method: clinical testing. Allele origin: germline. Observed: 1 variant allele, 1 heterozygote.

Ambry Genetics
Classification: Benign for Cardiovascular phenotype. Last evaluated: 2015-04-21. Review status: criteria provided, single submitter. Criteria: Ambry Variant Classification Scheme 2023. Collection method: clinical testing. Allele origin: germline.

GeneDx
Classification: Benign. Last evaluated: 2015-03-03. Review status: criteria provided, single submitter. Criteria: GeneDx Variant Classification Process June 2021. Collection method: clinical testing. Allele origin: germline. Affected: yes.

Laboratory for Molecular Medicine, Mass General Brigham Personalized Medicine
Classification: Benign. Last evaluated: 2013-05-30. Review status: criteria provided, single submitter. Criteria: LMM Criteria. Collection method: clinical testing. Allele origin: germline. Observed: 24 variant alleles.
Comment: 690-4A>G in intron 6 of LDB3: This variant is not expected to have clinical sign ificance because it is not located within the splice consensus sequence and has been identified in 0.7% (30/4406) of African American chromosomes from a broad p opulation by the NHLBI Exome Sequencing Project (S; dbSNP rs45529531).

Women's Health and Genetics/Laboratory Corporation of America, LabCorp
Classification: Likely benign for Cardiomyopathy. Last evaluated: 2011-08-18. Review status: criteria provided, single submitter. Criteria: LabCorp Variant Classification Summary - May 2015. Collection method: curation. Allele origin: germline. Inheritance: autosomal unknown. Affected: yes.
ClinVar note: Converted during submission from likely benign to Likely benign.

PreventionGenetics, part of Exact Sciences
Classification: Benign. Review status: criteria provided, single submitter. Criteria: ACMG Guidelines, 2015. Collection method: clinical testing. Allele origin: germline.

Clinical Genetics, Academic Medical Center
Classification: Benign. Review status: no assertion criteria provided. Collection method: clinical testing. Allele origin: germline. Affected: yes. Study: VKGL Data-share Consensus. Not counted in ClinVar's aggregate classification.

Diagnostic Laboratory, Department of Genetics, University Medical Center Groningen
Classification: Likely benign. Review status: no assertion criteria provided. Collection method: clinical testing. Allele origin: germline. Affected: yes. Study: VKGL Data-share Consensus. Not counted in ClinVar's aggregate classification.

Genome Diagnostics Laboratory, University Medical Center Utrecht
Classification: Benign. Review status: no assertion criteria provided. Collection method: clinical testing. Allele origin: germline. Affected: yes. Study: VKGL Data-share Consensus. Not counted in ClinVar's aggregate classification.

Joint Genome Diagnostic Labs from Nijmegen and Maastricht, Radboudumc and MUMC+
Classification: Benign. Review status: no assertion criteria provided. Collection method: clinical testing. Allele origin: germline. Affected: yes. Study: VKGL Data-share Consensus. Not counted in ClinVar's aggregate classification.

Laboratory of Diagnostic Genome Analysis, Leiden University Medical Center (LUMC)
Classification: Likely benign. Review status: no assertion criteria provided. Collection method: clinical testing. Allele origin: germline. Affected: yes. Study: VKGL Data-share Consensus. Not counted in ClinVar's aggregate classification.